The following is an entry in ClinVar:

NM_001845.6(COL4A1):c.3561A>G (p.Ser1187=)

Gene: COL4A1 (collagen type IV alpha 1 chain; minus strand). Cytogenetic location: 13q34.
Variant type: single nucleotide variant.
Coding change: c.3561A>G on transcript NM_001845.6 (MANE Select); coding-DNA position 3561, A replaced by G.
Protein change: p.Ser1187=; no amino-acid change (serine 1187 retained).
Molecular consequence: synonymous variant.
Genome position (GRCh38, 1-based): chr13:110,170,728, T>C on the plus strand (A>G on the coding strand, the complement: COL4A1 is on the minus strand). VCF-style: chr13-110170728-T-C. GRCh37 (hg19) VCF-style: chr13-110823075-T-C.
Other names: c.3561A>G (NM_001845.5).
Identifiers: ClinVar variation 1411062 (VCV001411062.8), dbSNP rs192470284, ClinGen allele CA7047203.

ClinVar aggregate classification (germline): Likely benign. Review status: criteria provided, multiple submitters, no conflicts (2 of 4 stars). 3 submissions from 3 submitters: Likely benign (2). 1 of the submissions does not count toward it. Last evaluated 2025-11-15.

Conditions:
COL4A1-related disorder. Also called: COL4A1-related disorders; COL4A1-related condition. Identifiers: MedGen CN376119, MONDO:0800461.

Allele frequency attached by ClinVar (database versions not stated): gnomAD exomes 0.00001 and 0.00003; ExAC 0.00004; gnomAD 0.00006 and 0.00007; TOPMed 0.00009; 1000 Genomes Project 30x 0.00047; 1000 Genomes Project 0.00060.
gnomAD v4.1: 31 of 1,614,190 alleles (0.0019%); highest among the groups gnomAD compares: African/African-American, 0.037%; no homozygotes.

Submissions (3):

Labcorp Genetics (formerly Invitae), Labcorp
Classification: Likely benign. Last evaluated: 2025-11-15. Review status: criteria provided, single submitter. Criteria: Invitae Variant Classification Sherloc (09022015). Collection method: clinical testing. Allele origin: germline.

Blueprint Genetics
Classification: Likely benign. Last evaluated: 2024-09-13. Review status: criteria provided, single submitter. Criteria: ACMG Guidelines, 2015. Collection method: clinical testing. Allele origin: germline.

PreventionGenetics, part of Exact Sciences
Classification: Likely benign for COL4A1-related condition. Last evaluated: 2024-04-02. Review status: no assertion criteria provided. Collection method: clinical testing. Allele origin: germline. Not counted in ClinVar's aggregate classification.
Comment: This variant is classified as likely benign based on ACMG/AMP sequence variant interpretation guidelines (Richards et al. 2015 PMID: 25741868, with internal and published modifications).